The following is an entry in ClinVar:

NM_001378454.1(ALMS1):c.10645A>G (p.Ser3549Gly)

Gene: ALMS1 (ALMS1 centrosome and basal body associated protein; plus strand). Cytogenetic location: 2p13.1.
Variant type: single nucleotide variant.
Coding change: c.10645A>G on transcript NM_001378454.1 (MANE Select); coding-DNA position 10645, A replaced by G.
Protein change: p.Ser3549Gly; replaces serine 3549 with glycine.
Molecular consequence: missense variant.
Genome position (GRCh38, 1-based): chr2:73,572,522, A>G. VCF-style: chr2-73572522-A-G. GRCh37 (hg19) VCF-style: chr2-73799649-A-G.
Other names: c.10648A>G, p.Ser3550Gly (NM_015120.4); short protein forms S3549G, S3550G.
Identifiers: ClinVar variation 3354906 (VCV003354906.1).

ClinVar aggregate classification (germline): Uncertain significance (0 of 4 stars; one submission).

Conditions:
ALMS1-related disorder. Also called: ALMS1-related condition.

Submission:

PreventionGenetics, part of Exact Sciences
Classification: Uncertain significance for ALMS1-related condition. Last evaluated: 2024-05-13. Review status: no assertion criteria provided. Collection method: clinical testing. Allele origin: germline.
Comment: The ALMS1 c.10648A>G variant is predicted to result in the amino acid substitution p.Asn3550Asp. To our knowledge, this variant has not been reported in the literature. This variant is reported in 0.062% of alleles in individuals of African descent in gnomAD, which may be too common to be an unreported cause of disease. Although we suspect that this variant may be benign, at this time its clinical significance is uncertain due to the absence of conclusive functional and genetic evidence.